The following is an entry in ClinVar:

NM_012431.3(SEMA3E):c.1855C>T (p.Arg619Cys)

Gene: SEMA3E (semaphorin 3E; minus strand). Cytogenetic location: 7q21.11.
Variant type: single nucleotide variant.
Coding change: c.1855C>T on transcript NM_012431.3 (MANE Select); coding-DNA position 1855, C replaced by T.
Protein change: p.Arg619Cys; replaces arginine 619 with cysteine.
Molecular consequence: missense variant.
Genome position (GRCh38, 1-based): chr7:83,385,314, G>A on the plus strand (C>T on the coding strand, the complement: SEMA3E is on the minus strand). VCF-style: chr7-83385314-G-A. GRCh37 (hg19) VCF-style: chr7-83014630-G-A.
Other names: c.1675C>T, p.Arg559Cys (NM_001178129.2); short protein forms R619C, R559C.
Identifiers: ClinVar variation 221681 (VCV000221681.19), dbSNP rs143631464, ClinGen allele CA354827.

ClinVar aggregate classification (germline): Uncertain significance. Review status: criteria provided, multiple submitters, no conflicts (2 of 4 stars). 5 submissions from 5 submitters: Uncertain significance (4). 1 of the submissions does not count toward it. Last evaluated 2026-07-16.

Conditions:
SEMA3E-related disorder. Also called: SEMA3E-related condition.
CHARGE syndrome (CHARGE). Also called: Coloboma, heart anomaly, choanal atresia, retardation, genital and ear anomalies; CHARGE association; Hall-Hittner syndrome; CHARGE ASSOCIATION--COLOBOMA, HEART ANOMALY, CHOANAL ATRESIA, RETARDATION, GENITAL AND EAR ANOMALIES; Hittner Hirsch Kreh syndrome. Identifiers: Orphanet 138, MedGen C0265354, MONDO:0008965.

Allele frequency attached by ClinVar (database versions not stated): gnomAD 0.00013 and 0.00015; TOPMed 0.00013; gnomAD exomes 0.00008 and 0.00019; ExAC 0.00010; ESP Exome Variant Server 0.00031.
gnomAD v4.1: 289 of 1,612,944 alleles (0.018%); highest among the groups gnomAD compares: Non-Finnish European, 0.023%; no homozygotes.

Submissions (5):

PreventionGenetics, part of Exact Sciences
Classification: Uncertain significance for SEMA3E-related condition. Last evaluated: 2026-07-16. Review status: criteria provided, single submitter. Criteria: ACMG Guidelines, 2015. Collection method: clinical testing. Allele origin: germline.
Comment: The SEMA3E c.1855C>T variant is predicted to result in the amino acid substitution p.Arg619Cys. This variant has been reported in two siblings with Kallmann syndrome; however, they also had a variant in CHD7 (p.Phe1019Cys) (Cariboni et al. 2015. PubMed ID: 25985275; Xu et al. 2018. PubMed ID: 29144511). It has also been reported in a child with CHARGE syndrome and their unaffected mother (Lalani et al. 2004. PubMed ID: 15235037). In vitro cell culture assays demonstrated that this variant impacts SEMA3E protein function (Cariboni et al. 2015. PubMed ID: 25985275). At this time, the clinical significance of this variant is uncertain due to the absence of conclusive functional and genetic evidence.

Labcorp Genetics (formerly Invitae), Labcorp
Classification: Uncertain significance for CHARGE syndrome. Last evaluated: 2025-11-08. Review status: criteria provided, single submitter. Criteria: Invitae Variant Classification Sherloc (09022015). Collection method: clinical testing. Allele origin: germline.
Comment: This sequence change replaces arginine, which is basic and polar, with cysteine, which is neutral and slightly polar, at codon 619 of the SEMA3E protein (p.Arg619Cys). This variant is present in population databases (rs143631464, gnomAD 0.01%). This missense change has been observed in individual(s) with CHARGE syndrome (PMID: 15235037). ClinVar contains an entry for this variant (Variation ID: 221681). Invitae Evidence Modeling of protein sequence and biophysical properties (such as structural, functional, and spatial information, amino acid conservation, physicochemical variation, residue mobility, and thermodynamic stability) indicates that this missense variant is expected to disrupt SEMA3E protein function with a positive predictive value of 80%. Experimental studies have shown that this missense change affects SEMA3E function (PMID: 25985275). In summary, the available evidence is currently insufficient to determine the role of this variant in disease. Therefore, it has been classified as a Variant of Uncertain Significance.

GeneDx
Classification: Uncertain significance. Last evaluated: 2025-10-15. Review status: criteria provided, single submitter. Criteria: GeneDx Variant Classification Process June 2021. Collection method: clinical testing. Allele origin: germline. Affected: yes.
Comment: Observed in siblings with Kallman syndrome who were also heterozygous for a variant in the CHD7 gene, and observed in a patient with CHARGE syndrome who inherited the variant from an unaffected heterozygous parent (PMID: 25985275, 15235037); In silico analysis suggests that this missense variant does not alter protein structure/function; Variants in candidate genes are classified as variants of uncertain significance in accordance with ACMG guidelines (PMID: 25741868); This variant is associated with the following publications: (PMID: 29144511, 15235037, 25985275)

Breakthrough Genomics
Classification: Uncertain significance. Review status: criteria provided, single submitter. Criteria: ACMG Guidelines, 2015. Collection method: not provided. Allele origin: germline. Inheritance: Autosomal recessive inheritance. Affected: yes.

OMIM
Classification: Uncertain significance for VARIANT OF UNKNOWN SIGNIFICANCE. Last evaluated: 2022-10-14. Review status: no assertion criteria provided. Collection method: literature only. Allele origin: germline. Not counted in ClinVar's aggregate classification.

Literature cited by the submitters: PubMed 15235037 (cited by Labcorp Genetics (formerly Invitae), Labcorp); PubMed 25985275 (cited by Labcorp Genetics (formerly Invitae), Labcorp and OMIM).